The following is an entry in ClinVar:

NM_007294.4(BRCA1):c.392G>A (p.Arg131Lys)

Gene: BRCA1 (BRCA1 DNA repair associated; minus strand). Cytogenetic location: 17q21.31.
Variant type: single nucleotide variant.
Coding change: c.392G>A on transcript NM_007294.4 (MANE Select); coding-DNA position 392, G replaced by A.
Protein change: p.Arg131Lys; replaces arginine 131 with lysine.
Molecular consequence: missense variant. On other transcripts: non-coding transcript variant (1).
Genome position (GRCh38, 1-based): chr17:43,104,171, C>T on the plus strand (G>A on the coding strand, the complement: BRCA1 is on the minus strand). VCF-style: chr17-43104171-C-T. GRCh37 (hg19) VCF-style: chr17-41256188-C-T.
Other names: c.182G>A, p.Arg61Lys (NM_001407571.1, NM_001407853.1, NM_001407879.1 and 58 more transcripts); c.392G>A, p.Arg131Lys (NM_001407581.1, NM_001407582.1, NM_001407583.1 and 165 more transcripts); c.383G>A, p.Arg128Lys (NM_001407646.1, NM_001407647.1, NM_001408408.1); c.314G>A, p.Arg105Lys (NM_001407653.1, NM_001407654.1, NM_001407655.1 and 21 more transcripts); c.251G>A, p.Arg84Lys (NM_001407692.1, NM_001407694.1, NM_001407695.1 and 99 more transcripts); c.11G>A, p.Arg4Lys (NM_001407959.1, NM_001407960.1, NM_001407962.1 and 4 more transcripts); c.260G>A, p.Arg87Lys (NM_001408451.1); short protein forms R61K, R84K, R4K, R87K, R105K, R131K, R128K.
Identifiers: ClinVar variation 1976881 (VCV001976881.8), dbSNP rs2154549164, ClinGen allele CA10601361.

ClinVar aggregate classification (germline): Uncertain significance. Review status: criteria provided, multiple submitters, no conflicts (2 of 4 stars). 3 submissions from 3 submitters: Uncertain significance (3). Last evaluated 2026-02-17.

Conditions:
Hereditary cancer-predisposing syndrome. Also called: Neoplastic Syndromes, Hereditary; Tumor predisposition; Hereditary Cancer Syndrome; Hereditary neoplastic syndrome. Identifiers: Orphanet 140162, MedGen C0027672, MeSH D009386, MONDO:0015356.
Hereditary breast ovarian cancer syndrome. Also called: Hereditary breast and ovarian cancer syndrome; Breast and ovarian cancer; Hereditary breast and ovarian cancer; Hereditary breast and/or ovarian cancer syndrome; BRCA1- and BRCA2-Associated Hereditary Breast and Ovarian Cancer; Hereditary breast and ovarian cancer syndrome (HBOC). Identifiers: Orphanet 145, MedGen C0677776, MeSH D061325, MONDO:0003582. Disease mechanism: loss of function.

Submissions (3):

Ambry Genetics
Classification: Uncertain significance for Hereditary cancer-predisposing syndrome. Last evaluated: 2026-02-17. Review status: criteria provided, single submitter. Criteria: Ambry Variant Classification Scheme 2023. Collection method: clinical testing. Allele origin: germline.
Comment: The p.R131K variant (also known as c.392G>A), located in coding exon 5 of the BRCA1 gene, results from a G to A substitution at nucleotide position 392. The arginine at codon 131 is replaced by lysine, an amino acid with highly similar properties. This amino acid position is highly conserved in available vertebrate species. In addition, this alteration is predicted to be deleterious by in silico analysis. Based on the available evidence, the clinical significance of this variant remains unclear.

Labcorp Genetics (formerly Invitae), Labcorp
Classification: Uncertain significance for Hereditary breast ovarian cancer syndrome. Last evaluated: 2024-01-09. Review status: criteria provided, single submitter. Criteria: Invitae Variant Classification Sherloc (09022015). Collection method: clinical testing. Allele origin: germline.
Comment: This sequence change replaces arginine, which is basic and polar, with lysine, which is basic and polar, at codon 131 of the BRCA1 protein (p.Arg131Lys). This variant is not present in population databases (gnomAD no frequency). This variant has not been reported in the literature in individuals affected with BRCA1-related conditions. ClinVar contains an entry for this variant (Variation ID: 1976881). Advanced modeling of protein sequence and biophysical properties (such as structural, functional, and spatial information, amino acid conservation, physicochemical variation, residue mobility, and thermodynamic stability) has been performed at Invitae for this missense variant, however the output from this modeling did not meet the statistical confidence thresholds required to predict the impact of this variant on BRCA1 protein function. In summary, the available evidence is currently insufficient to determine the role of this variant in disease. Therefore, it has been classified as a Variant of Uncertain Significance.

Color Diagnostics, LLC DBA Color Health
Classification: Uncertain significance for Hereditary cancer-predisposing syndrome. Last evaluated: 2023-08-15. Review status: criteria provided, single submitter. Criteria: ACMG Guidelines, 2015. Collection method: clinical testing. Allele origin: germline.
Comment: This missense variant replaces arginine with lysine at codon 131 of the BRCA1 protein. Computational prediction is inconclusive regarding the impact of this variant on protein structure and function (internally defined REVEL score threshold 0.5 < inconclusive < 0.7, PMID: 27666373). To our knowledge, functional studies have not been reported for this variant. This variant has not been reported in individuals affected with BRCA1-related disorders in the literature. This variant has not been identified in the general population by the Genome Aggregation Database (gnomAD). The available evidence is insufficient to determine the role of this variant in disease conclusively. Therefore, this variant is classified as a Variant of Uncertain Significance.